The following is an entry in ClinVar:

ClinVar aggregate classification (germline): Uncertain significance. Review status: criteria provided, multiple submitters, no conflicts (2 of 4 stars). 6 submissions from 6 submitters: Uncertain significance (6). Last evaluated 2026-08-06.

Conditions:
Hereditary cancer-predisposing syndrome. Also called: Tumor predisposition; Neoplastic Syndromes, Hereditary; Hereditary Cancer Syndrome; Hereditary neoplastic syndrome. Identifiers: Orphanet 140162, MedGen C0027672, MeSH D009386, MONDO:0015356.
Colorectal cancer, susceptibility to, 12 (CRCS12). Also called: COLORECTAL CANCER, SUSCEPTIBILITY TO, ON CHROMOSOME 12q24. Identifiers: Orphanet 220460, MedGen C3554460, MONDO:0014038, OMIM 615083.
Familial colorectal cancer. Identifiers: MedGen CN280943, MONDO:0023113. Disease mechanism: loss of function.

Allele frequency attached by ClinVar (database versions not stated): gnomAD exomes 0.00001; ExAC 0.00001; gnomAD 0.00001; TOPMed 0.00001.
gnomAD v4.1: 4 of 1,612,494 alleles (0.00025%); highest among the groups gnomAD compares: Non-Finnish European, 0.00025%; no homozygotes.

Submissions (6):

OLLIN Analises Genomicas, OLLIN
Classification: Uncertain significance for Colorectal cancer, susceptibility to, 12. Last evaluated: 2026-08-06. Review status: criteria provided, single submitter. Criteria: ACMG Guidelines 2015 PMID 25741868. Collection method: clinical testing. Allele origin: germline. Inheritance: Autosomal recessive inheritance.
Comment: This missense variant, located in exon 31 (of 49), has been reported in ClinVar (accession VCV000473626.18) and in gnomAD with an allele frequency of 0.00025%. However, to our knowledge, it has not been reported in the scientific literature. In silico analysis predicts that this variant has a tolerated effect. According to the currently available evidence, this variant has been classified as uncertain significance (PM2_P, BP4_M).

Labcorp Genetics (formerly Invitae), Labcorp
Classification: Uncertain significance. Last evaluated: 2025-12-16. Review status: criteria provided, single submitter. Criteria: Invitae Variant Classification Sherloc (09022015). Collection method: clinical testing. Allele origin: germline.
Comment: This sequence change replaces arginine, which is basic and polar, with cysteine, which is neutral and slightly polar, at codon 1289 of the POLE protein (p.Arg1289Cys). The frequency data for this variant in the population databases is considered unreliable, as metrics indicate poor data quality at this position in the gnomAD database. This variant has not been reported in the literature in individuals affected with POLE-related conditions. ClinVar contains an entry for this variant (Variation ID: 473626). Invitae Evidence Modeling of protein sequence and biophysical properties (such as structural, functional, and spatial information, amino acid conservation, physicochemical variation, residue mobility, and thermodynamic stability) indicates that this missense variant is not expected to disrupt POLE protein function with a negative predictive value of 80%. In summary, the available evidence is currently insufficient to determine the role of this variant in disease. Therefore, it has been classified as a Variant of Uncertain Significance.

Dasa
Classification: Uncertain significance. Last evaluated: 2025-07-30. Review status: criteria provided, single submitter. Criteria: DASA Assertion Criteria. Collection method: clinical testing. Allele origin: germline.
Comment: NM_006231.4(POLE):c.3865C>T (p.Arg1289Cys) is a missense variant that results in the substitution of arginine with cysteine. This variant is rare in population databases. Computational prediction algorithms are consistent with a benign effect. The currently available literature and clinical evidence are not sufficient to establish a definitive association between this variant and the reported condition. Therefore, this variant is classified as a variant of uncertain significance.

Ambry Genetics
Classification: Uncertain significance for Hereditary cancer-predisposing syndrome. Last evaluated: 2025-02-20. Review status: criteria provided, single submitter. Criteria: Ambry Variant Classification Scheme 2023. Collection method: clinical testing. Allele origin: germline.
Comment: The p.R1289C variant (also known as c.3865C>T), located in coding exon 31 of the POLE gene, results from a C to T substitution at nucleotide position 3865. The arginine at codon 1289 is replaced by cysteine, an amino acid with highly dissimilar properties. This amino acid position is not well conserved in available vertebrate species. In addition, this alteration is predicted to be tolerated by in silico analysis. Based on the available evidence, the clinical significance of this variant remains unclear.

GeneDx
Classification: Uncertain significance. Last evaluated: 2023-12-27. Review status: criteria provided, single submitter. Criteria: GeneDx Variant Classification Process June 2021. Collection method: clinical testing. Allele origin: germline. Affected: yes.
Comment: Not observed at significant frequency in large population cohorts (gnomAD); In silico analysis supports that this missense variant has a deleterious effect on protein structure/function; This variant is associated with the following publications: (PMID: 35264596)

Mendelics
Classification: Uncertain significance for Familial colorectal cancer. Last evaluated: 2018-07-02. Review status: criteria provided, single submitter. Criteria: Mendelics Assertion Criteria 2017. Collection method: clinical testing. Allele origin: unknown.

NM_006231.4(POLE):c.3865C>T (p.Arg1289Cys)

Gene: POLE (DNA polymerase epsilon, catalytic subunit; minus strand). Cytogenetic location: 12q24.33.
Variant type: single nucleotide variant.
Coding change: c.3865C>T on transcript NM_006231.4 (MANE Select); coding-DNA position 3865, C replaced by T.
Protein change: p.Arg1289Cys; replaces arginine 1289 with cysteine.
Molecular consequence: missense variant.
Genome position (GRCh38, 1-based): chr12:132,649,446, G>A on the plus strand (C>T on the coding strand, the complement: POLE is on the minus strand). VCF-style: chr12-132649446-G-A. GRCh37 (hg19) VCF-style: chr12-133226032-G-A.
Other names: short protein forms R1289C.
Identifiers: ClinVar variation 473626 (VCV000473626.20), dbSNP rs770036124, ClinGen allele CA6893069.